The following is an entry in ClinVar:

ClinVar aggregate classification (germline): Uncertain significance. Review status: criteria provided, multiple submitters, no conflicts (2 of 4 stars). 2 submissions from 2 submitters: Uncertain significance (2). Last evaluated 2026-01-12.

Conditions:
Inborn genetic diseases. Identifiers: MedGen C0950123, MeSH D030342.

Allele frequency attached by ClinVar (database versions not stated): gnomAD 0.00002; TOPMed 0.00002; ExAC 0.00003.
gnomAD v4.1: 20 of 1,613,118 alleles (0.0012%); highest among the groups gnomAD compares: Admixed American, 0.017%; no homozygotes.

Submissions (2):

Labcorp Genetics (formerly Invitae), Labcorp
Classification: Uncertain significance. Last evaluated: 2026-01-12. Review status: criteria provided, single submitter. Criteria: Invitae Variant Classification Sherloc (09022015). Collection method: clinical testing. Allele origin: germline.
Comment: This sequence change replaces arginine, which is basic and polar, with glutamine, which is neutral and polar, at codon 918 of the EMC1 protein (p.Arg918Gln). This variant is present in population databases (rs747855639, gnomAD 0.02%). This variant has not been reported in the literature in individuals affected with EMC1-related conditions. ClinVar contains an entry for this variant (Variation ID: 1497288). Invitae Evidence Modeling of protein sequence and biophysical properties (such as structural, functional, and spatial information, amino acid conservation, physicochemical variation, residue mobility, and thermodynamic stability) indicates that this missense variant is not expected to disrupt EMC1 protein function with a negative predictive value of 80%. In summary, the available evidence is currently insufficient to determine the role of this variant in disease. Therefore, it has been classified as a Variant of Uncertain Significance.

Ambry Genetics
Classification: Uncertain significance for Inborn genetic diseases. Last evaluated: 2025-11-13. Review status: criteria provided, single submitter. Criteria: Ambry Variant Classification Scheme 2023. Collection method: clinical testing. Allele origin: germline.

NM_015047.3(EMC1):c.2753G>A (p.Arg918Gln)

Genes: EMC1 (ER membrane protein complex subunit 1; minus strand), EMC1-AS1 (EMC1 antisense RNA 1; plus strand). Cytogenetic location: 1p36.13.
Variant type: single nucleotide variant.
Coding change: c.2753G>A on transcript NM_015047.3 (MANE Select); coding-DNA position 2753, G replaced by A.
Protein change: p.Arg918Gln; replaces arginine 918 with glutamine.
Molecular consequence: missense variant.
Genome position (GRCh38, 1-based): chr1:19,219,618, C>T on the plus strand (G>A on the coding strand, the complement: EMC1 is on the minus strand). VCF-style: chr1-19219618-C-T. GRCh37 (hg19) VCF-style: chr1-19546112-C-T.
Other names: c.2753G>A (NM_015047.1); c.2750G>A, p.Arg917Gln (NM_001271427.2, NM_001271428.2); c.2687G>A, p.Arg896Gln (NM_001271429.2); c.2762G>A, p.Arg921Gln (NM_001375820.1); c.2759G>A, p.Arg920Gln (NM_001375821.1); short protein forms R917Q, R921Q, R896Q, R920Q, R918Q.
Identifiers: ClinVar variation 1497288 (VCV001497288.7), dbSNP rs747855639, ClinGen allele CA652157.
Genomic context (GRCh38, chr1:19,219,618, plus strand): 5'-GCTCTACTCACCAAACAAGTGGACTCCAGACCCGAGGGAGCTGTGTAGATACCTCGCATT[C>T]GAGAAACTGTCTGGTTATAGTTGATGAATCGCTCTGCGTGTATCTGTACATCTGGAGAAT-3'
Protein context (NP_055862.1, residues 908-928): RFINYNQTVS[Arg918Gln]MRGIYTAPSG